The following is an entry in ClinVar:

NM_172364.5(CACNA2D4):c.650-15A>C

Gene: CACNA2D4 (calcium voltage-gated channel auxiliary subunit alpha2delta 4; minus strand). Cytogenetic location: 12p13.33.
Variant type: single nucleotide variant.
Coding change: c.650-15A>C on transcript NM_172364.5 (MANE Select); 15 bases into the intron before coding-DNA position 650, A replaced by C.
Molecular consequence: intron variant.
Genome position (GRCh38, 1-based): chr12:1,907,586, T>G on the plus strand (A>C on the coding strand, the complement: CACNA2D4 is on the minus strand). VCF-style: chr12-1907586-T-G. GRCh37 (hg19) VCF-style: chr12-2016752-T-G.
Identifiers: ClinVar variation 2127027 (VCV002127027.4), dbSNP rs1285127407, ClinGen allele CA603038513.

ClinVar aggregate classification (germline): Uncertain significance (1 of 4 stars; one submission).

gnomAD v4.1: 4 of 1,608,902 alleles (0.00025%); highest among the groups gnomAD compares: African/African-American, 0.004%; no homozygotes.

Submission:

Labcorp Genetics (formerly Invitae), Labcorp
Classification: Uncertain significance. Last evaluated: 2022-04-16. Review status: criteria provided, single submitter. Criteria: Invitae Variant Classification Sherloc (09022015). Collection method: clinical testing. Allele origin: germline.
Comment: This variant is present in population databases (no rsID available, gnomAD 0.003%). In summary, the available evidence is currently insufficient to determine the role of this variant in disease. Therefore, it has been classified as a Variant of Uncertain Significance. Algorithms developed to predict the effect of sequence changes on RNA splicing suggest that this variant may create or strengthen a splice site. This variant has not been reported in the literature in individuals affected with CACNA2D4-related conditions. This sequence change falls in intron 5 of the CACNA2D4 gene. It does not directly change the encoded amino acid sequence of the CACNA2D4 protein.